The following is an entry in ClinVar:

ClinVar aggregate classification (germline): Uncertain significance. Review status: criteria provided, multiple submitters, no conflicts (2 of 4 stars). 4 submissions from 4 submitters: Uncertain significance (4). Last evaluated 2023-10-15.

Conditions:
PALB2-related disorder. Also called: PALB2-related disorders; PALB2-related condition.
Hereditary cancer-predisposing syndrome. Also called: Hereditary neoplastic syndrome; Tumor predisposition; Neoplastic Syndromes, Hereditary; Hereditary Cancer Syndrome. Identifiers: Orphanet 140162, MedGen C0027672, MeSH D009386, MONDO:0015356.
Familial cancer of breast. Also called: hereditary breast carcinoma; BREAST CANCER, FAMILIAL; Hereditary breast cancer. Identifiers: Orphanet 227535, MedGen C0346153, MONDO:0016419, OMIM 114480. Disease mechanism: loss of function.

Allele frequency attached by ClinVar (database versions not stated): gnomAD exomes below 0.00001; ExAC 0.00001; TOPMed 0.00002.
gnomAD v4.1: 1 of 1,613,988 alleles (0.000062%); highest among the groups gnomAD compares: Non-Finnish European, 0.000085%; no homozygotes.

Submissions (4):

Ambry Genetics
Classification: Uncertain significance for Hereditary cancer-predisposing syndrome. Last evaluated: 2023-10-15. Review status: criteria provided, single submitter. Criteria: Ambry Variant Classification Scheme 2023. Collection method: clinical testing. Allele origin: germline.
Comment: The p.G1145C variant (also known as c.3433G>T), located in coding exon 13 of the PALB2 gene, results from a G to T substitution at nucleotide position 3433. The glycine at codon 1145 is replaced by cysteine, an amino acid with highly dissimilar properties. This alteration was detected in 1/5589 German BRCA1/2-negative probands with breast cancer (Hauke J et al. Cancer Med, 2018 04;7:1349-1358). This amino acid position is highly conserved in available vertebrate species. In addition, the in silico prediction for this alteration is inconclusive. Since supporting evidence is limited at this time, the clinical significance of this alteration remains unclear.

Baylor Genetics
Classification: Uncertain significance for Familial cancer of breast. Last evaluated: 2023-09-21. Review status: criteria provided, single submitter. Criteria: ACMG Guidelines, 2015. Collection method: clinical testing. Allele origin: unknown.

PreventionGenetics, part of Exact Sciences
Classification: Uncertain significance for PALB2-related condition. Last evaluated: 2022-12-22. Review status: criteria provided, single submitter. Criteria: ACMG Guidelines, 2015. Collection method: clinical testing. Allele origin: germline.
Comment: The PALB2 c.3433G>T variant is predicted to result in the amino acid substitution p.Gly1145Cys. This variant was detected in an individual with breast cancer from a large cohort study (Hauke et al. 2018. PubMed ID: 29522266, Table S2). It is reported in 0.00088% of alleles in individuals of European (Non-Finnish) descent in gnomAD and is classified as a variant of uncertain significance in ClinVar. At this time, the clinical significance of this variant is uncertain due to the absence of conclusive functional and genetic evidence.

Labcorp Genetics (formerly Invitae), Labcorp
Classification: Uncertain significance for Familial cancer of breast. Last evaluated: 2021-08-27. Review status: criteria provided, single submitter. Criteria: Invitae Variant Classification Sherloc (09022015). Collection method: clinical testing. Allele origin: germline.
Comment: This sequence change replaces glycine with cysteine at codon 1145 of the PALB2 protein (p.Gly1145Cys). The glycine residue is highly conserved and there is a large physicochemical difference between glycine and cysteine. This variant is present in population databases (rs180177137, ExAC 0.001%). This variant has not been reported in the literature in individuals affected with PALB2-related conditions. ClinVar contains an entry for this variant (Variation ID: 571430). Algorithms developed to predict the effect of missense changes on protein structure and function (SIFT, PolyPhen-2, Align-GVGD) all suggest that this variant is likely to be disruptive. In summary, the available evidence is currently insufficient to determine the role of this variant in disease. Therefore, it has been classified as a Variant of Uncertain Significance.

Literature cited by the submitters: PubMed 29522266 (cited by Ambry Genetics).

NM_024675.4(PALB2):c.3433G>T (p.Gly1145Cys)

Gene: PALB2 (partner and localizer of BRCA2; minus strand). Cytogenetic location: 16p12.2.
Variant type: single nucleotide variant.
Coding change: c.3433G>T on transcript NM_024675.4 (MANE Select); coding-DNA position 3433, G replaced by T.
Protein change: p.Gly1145Cys; replaces glycine 1145 with cysteine.
Molecular consequence: missense variant.
Genome position (GRCh38, 1-based): chr16:23,603,587, C>A on the plus strand (G>T on the coding strand, the complement: PALB2 is on the minus strand). VCF-style: chr16-23603587-C-A. GRCh37 (hg19) VCF-style: chr16-23614908-C-A.
Other names: short protein forms G1145C.
Identifiers: ClinVar variation 571430 (VCV000571430.11), dbSNP rs180177137, ClinGen allele CA7963338.